The following is an entry in ClinVar:

ClinVar aggregate classification (germline): Uncertain significance (1 of 4 stars; one submission).

Conditions:
Joubert syndrome. Also called: CEREBELLOPARENCHYMAL DISORDER IV; JOUBERT-BOLTSHAUSER SYNDROME; Familial aplasia of the vermis. Identifiers: Orphanet 475, MedGen C5979921, MONDO:0018772.
Orofaciodigital syndrome I (OFD1). Also called: OFDS I; Papillon-Leage and Psaume Syndrome; Oral-Facial-Digital Syndrome Type I. Identifiers: Orphanet 2750, MedGen C1510460, MONDO:0010702, OMIM 311200.

gnomAD v4.1: 9 of 1,195,152 alleles (0.00075%); highest among the groups gnomAD compares: Non-Finnish European, 0.001%; no homozygotes.

Submission:

Labcorp Genetics (formerly Invitae), Labcorp
Classification: Uncertain significance for Orofaciodigital syndrome I; Joubert syndrome. Last evaluated: 2024-01-23. Review status: criteria provided, single submitter. Criteria: Invitae Variant Classification Sherloc (09022015). Collection method: clinical testing. Allele origin: germline.
Comment: This sequence change replaces proline, which is neutral and non-polar, with threonine, which is neutral and polar, at codon 866 of the OFD1 protein (p.Pro866Thr). This variant is not present in population databases (gnomAD no frequency). This variant has not been reported in the literature in individuals affected with OFD1-related conditions. Advanced modeling of protein sequence and biophysical properties (such as structural, functional, and spatial information, amino acid conservation, physicochemical variation, residue mobility, and thermodynamic stability) performed at Invitae indicates that this missense variant is not expected to disrupt OFD1 protein function with a negative predictive value of 80%. In summary, the available evidence is currently insufficient to determine the role of this variant in disease. Therefore, it has been classified as a Variant of Uncertain Significance.

NM_003611.3(OFD1):c.2596C>A (p.Pro866Thr)

Gene: OFD1 (OFD1 centriole and centriolar satellite protein; plus strand). Cytogenetic location: Xp22.2.
Variant type: single nucleotide variant.
Coding change: c.2596C>A on transcript NM_003611.3 (MANE Select); coding-DNA position 2596, C replaced by A.
Protein change: p.Pro866Thr; replaces proline 866 with threonine.
Molecular consequence: missense variant.
Genome position (GRCh38, 1-based): chrX:13,763,852, C>A. VCF-style: chrX-13763852-C-A. GRCh37 (hg19) VCF-style: chrX-13781971-C-A.
Other names: c.2476C>A, p.Pro826Thr (NM_001330209.2); c.2176C>A, p.Pro726Thr (NM_001330210.2); short protein forms P826T, P726T, P866T.
Identifiers: ClinVar variation 2921961 (VCV002921961.3), dbSNP rs2048026697, ClinGen allele CA412345633.
Genomic context (GRCh38, chrX:13,763,852, plus strand): 5'-GCCGGGGATATGTCTCATGTGGACGCTGCTGCAGCTGCTGTGCCCCTCTCATATCAGCAC[C>A]CAAGTAAGTTCTTTTTTTGAACTAACAGTCAGCAGGGTCGCATACTAAATACCAGTCCGT-3'
Protein context (NP_003602.1, residues 856-876): AAAVPLSYQH[Pro866Thr]SVDQKQIEEQ